The following is an entry in ClinVar:

NM_006231.4(POLE):c.1037G>A (p.Arg346Lys)

Gene: POLE (DNA polymerase epsilon, catalytic subunit; minus strand). Cytogenetic location: 12q24.33.
Variant type: single nucleotide variant.
Coding change: c.1037G>A on transcript NM_006231.4 (MANE Select); coding-DNA position 1037, G replaced by A.
Protein change: p.Arg346Lys; replaces arginine 346 with lysine.
Molecular consequence: missense variant.
Genome position (GRCh38, 1-based): chr12:132,675,804, C>T on the plus strand (G>A on the coding strand, the complement: POLE is on the minus strand). VCF-style: chr12-132675804-C-T. GRCh37 (hg19) VCF-style: chr12-133252390-C-T.
Other names: short protein forms R346K.
Identifiers: ClinVar variation 573334 (VCV000573334.15), dbSNP rs1565975676, ClinGen allele CA387361803.

ClinVar aggregate classification (germline): Uncertain significance. Review status: criteria provided, multiple submitters, no conflicts (2 of 4 stars). 5 submissions from 5 submitters: Uncertain significance (5). Last evaluated 2026-01-12.

Conditions:
Hereditary cancer-predisposing syndrome. Also called: Hereditary neoplastic syndrome; Hereditary Cancer Syndrome; Neoplastic Syndromes, Hereditary; Tumor predisposition. Identifiers: Orphanet 140162, MedGen C0027672, MeSH D009386, MONDO:0015356.

Allele frequency attached by ClinVar (database versions not stated): gnomAD exomes below 0.00001.
gnomAD v4.1: 3 of 1,614,114 alleles (0.00019%); highest among the groups gnomAD compares: East Asian, 0.0022%; no homozygotes.

Submissions (5):

Ambry Genetics
Classification: Uncertain significance for Hereditary cancer-predisposing syndrome. Last evaluated: 2026-01-12. Review status: criteria provided, single submitter. Criteria: Ambry Variant Classification Scheme 2023. Collection method: clinical testing. Allele origin: germline.
Comment: The p.R346K variant (also known as c.1037G>A), located in coding exon 11 of the POLE gene, results from a G to A substitution at nucleotide position 1037. The arginine at codon 346 is replaced by lysine, an amino acid with highly similar properties. This amino acid position is highly conserved in available vertebrate species. In addition, this alteration is predicted to be tolerated by in silico analysis. Based on the available evidence, the clinical significance of this variant remains unclear.

Center for Genomic Medicine, Rigshospitalet, Copenhagen University Hospital
Classification: Uncertain significance. Last evaluated: 2025-12-29. Review status: criteria provided, single submitter. Criteria: ACMG Guidelines, 2015. Collection method: clinical testing. Allele origin: germline.

Labcorp Genetics (formerly Invitae), Labcorp
Classification: Uncertain significance. Last evaluated: 2024-09-29. Review status: criteria provided, single submitter. Criteria: Invitae Variant Classification Sherloc (09022015). Collection method: clinical testing. Allele origin: germline.
Comment: This sequence change replaces arginine, which is basic and polar, with lysine, which is basic and polar, at codon 346 of the POLE protein (p.Arg346Lys). This variant is not present in population databases (gnomAD no frequency). This variant has not been reported in the literature in individuals affected with POLE-related conditions. ClinVar contains an entry for this variant (Variation ID: 573334). Invitae Evidence Modeling of protein sequence and biophysical properties (such as structural, functional, and spatial information, amino acid conservation, physicochemical variation, residue mobility, and thermodynamic stability) indicates that this missense variant is not expected to disrupt POLE protein function with a negative predictive value of 80%. In summary, the available evidence is currently insufficient to determine the role of this variant in disease. Therefore, it has been classified as a Variant of Uncertain Significance.

Blueprint Genetics
Classification: Uncertain significance. Last evaluated: 2023-05-11. Review status: criteria provided, single submitter. Criteria: ACMG Guidelines, 2015. Collection method: clinical testing. Allele origin: germline.

GeneDx
Classification: Uncertain significance. Last evaluated: 2022-07-26. Review status: criteria provided, single submitter. Criteria: GeneDx Variant Classification Process June 2021. Collection method: clinical testing. Allele origin: germline. Affected: yes.
Comment: Not observed at significant frequency in large population cohorts (gnomAD); In silico analysis supports that this missense variant does not alter protein structure/function; Has not been previously published as pathogenic or benign to our knowledge; This variant is associated with the following publications: (PMID: 20951805)